The following is an entry in ClinVar:

ClinVar aggregate classification (germline): Conflicting classifications of pathogenicity. Review status: criteria provided, conflicting classifications (1 of 4 stars). 2 submissions from 2 submitters: Uncertain significance (1); Likely benign (1). Last evaluated 2025-10-06.

Allele frequency attached by ClinVar (database versions not stated): gnomAD 0.00001; TOPMed 0.00004; ExAC 0.00005; ESP Exome Variant Server 0.00008.
gnomAD v4.1: 30 of 1,608,968 alleles (0.0019%); highest among the groups gnomAD compares: Admixed American, 0.0067%; no homozygotes.

Submissions (2):

Labcorp Genetics (formerly Invitae), Labcorp
Classification: Uncertain significance. Last evaluated: 2025-10-06. Review status: criteria provided, single submitter. Criteria: Invitae Variant Classification Sherloc (09022015). Collection method: clinical testing. Allele origin: germline.
Comment: This sequence change falls in intron 7 of the KANK1 gene. It does not directly change the encoded amino acid sequence of the KANK1 protein. It affects a nucleotide within the consensus splice site. This variant is present in population databases (rs377534690, gnomAD 0.006%). This variant has not been reported in the literature in individuals affected with KANK1-related conditions. ClinVar contains an entry for this variant (Variation ID: 2659022). Variants that disrupt the consensus splice site are a relatively common cause of aberrant splicing (PMID: 17576681, 9536098). Algorithms developed to predict the effect of sequence changes on RNA splicing suggest that this variant is not likely to affect RNA splicing. In summary, the available evidence is currently insufficient to determine the role of this variant in disease. Therefore, it has been classified as a Variant of Uncertain Significance.

CeGaT Center for Human Genetics Tuebingen
Classification: Likely benign. Last evaluated: 2023-05-01. Review status: criteria provided, single submitter. Criteria: CeGaT Center For Human Genetics Tuebingen Variant Classification Criteria Version 2. Collection method: clinical testing. Allele origin: germline. Affected: yes. Observed: 1 variant allele.
Comment: KANK1: BP4

Literature cited by the submitters: PubMed 17576681 (cited by Labcorp Genetics (formerly Invitae), Labcorp); PubMed 9536098 (cited by Labcorp Genetics (formerly Invitae), Labcorp).

NM_015158.5(KANK1):c.3334-3C>T

Genes: KANK1 (KN motif and ankyrin repeat domains 1; plus strand), LOC126860554 (MED14-independent group 3 enhancer GRCh37_chr9:737889-739088; plus strand). Cytogenetic location: 9p24.3.
Variant type: single nucleotide variant.
Coding change: c.3334-3C>T on transcript NM_015158.5 (MANE Select); 3 bases into the intron before coding-DNA position 3334, C replaced by T.
Molecular consequence: intron variant.
Genome position (GRCh38, 1-based): chr9:738,282, C>T. VCF-style: chr9-738282-C-T. GRCh37 (hg19) VCF-style: chr9-738282-C-T.
Other names: c.3334-3C>T (NM_001256876.3, NM_001354334.2, NM_001256877.3); c.2860-3C>T (NM_001354333.2, NM_001354335.2, NM_001354337.2 and 2 more transcripts); c.3094-3C>T (NM_001354331.2); c.3280-3C>T (NM_001354332.2); c.2566-3C>T (NM_001354336.2); c.2620-3C>T (NM_001354339.2, NM_001354343.2, NM_001354342.2); c.2806-3C>T (NM_001354338.2, NM_001354340.2, NM_001354344.2).
Identifiers: ClinVar variation 2659022 (VCV002659022.25), dbSNP rs377534690, ClinGen allele CA4960913.